The following is an entry in ClinVar:

NM_005045.4(RELN):c.9979G>A (p.Ala3327Thr)

Genes: SLC26A5-AS1 (SLC26A5 antisense RNA 1; plus strand), RELN (reelin; minus strand). Cytogenetic location: 7q22.1.
Variant type: single nucleotide variant.
Coding change: c.9979G>A on transcript NM_005045.4 (MANE Select); coding-DNA position 9979, G replaced by A.
Protein change: p.Ala3327Thr; replaces alanine 3327 with threonine.
Molecular consequence: missense variant.
Genome position (GRCh38, 1-based): chr7:103,486,201, C>T on the plus strand (G>A on the coding strand, the complement: RELN is on the minus strand). VCF-style: chr7-103486201-C-T. GRCh37 (hg19) VCF-style: chr7-103126648-C-T.
Other names: c.9979G>A, p.Ala3327Thr (NM_173054.3); short protein forms A3327T.
Identifiers: ClinVar variation 1718768 (VCV001718768.5), dbSNP rs1828434339, ClinGen allele CA368740935.

ClinVar aggregate classification (germline): Uncertain significance (1 of 4 stars; one submission).

Conditions:
Norman-Roberts syndrome (LIS2). Also called: Lissencephaly 2 (Norman-Roberts type). Identifiers: Orphanet 89844, MedGen C0796089, MONDO:0009760, OMIM 257320.
Familial temporal lobe epilepsy 7. Identifiers: Orphanet 101046, MedGen C4225327, MONDO:0014639, OMIM 616436.

Allele frequency attached by ClinVar (database versions not stated): TOPMed below 0.00001; gnomAD 0.00001.
gnomAD v4.1: 1 of 1,613,110 alleles (0.000062%); highest among the groups gnomAD compares: Non-Finnish European, 0.000085%; no homozygotes.

Submission:

Labcorp Genetics (formerly Invitae), Labcorp
Classification: Uncertain significance for Familial temporal lobe epilepsy 7; Norman-Roberts syndrome. Last evaluated: 2025-05-23. Review status: criteria provided, single submitter. Criteria: Invitae Variant Classification Sherloc (09022015). Collection method: clinical testing. Allele origin: germline.
Comment: This sequence change replaces alanine, which is neutral and non-polar, with threonine, which is neutral and polar, at codon 3327 of the RELN protein (p.Ala3327Thr). This variant is not present in population databases (gnomAD no frequency). This variant has not been reported in the literature in individuals affected with RELN-related conditions. ClinVar contains an entry for this variant (Variation ID: 1718768). Invitae Evidence Modeling of protein sequence and biophysical properties (such as structural, functional, and spatial information, amino acid conservation, physicochemical variation, residue mobility, and thermodynamic stability) has been performed for this missense variant. However, the output from this modeling did not meet the statistical confidence thresholds required to predict the impact of this variant on RELN protein function. In summary, the available evidence is currently insufficient to determine the role of this variant in disease. Therefore, it has been classified as a Variant of Uncertain Significance.